The following is an entry in ClinVar:

NM_022489.4(INF2):c.1183G>A (p.Glu395Lys)

Gene: INF2 (inverted formin 2; plus strand). Cytogenetic location: 14q32.33.
Variant type: single nucleotide variant.
Coding change: c.1183G>A on transcript NM_022489.4 (MANE Select); coding-DNA position 1183, G replaced by A.
Protein change: p.Glu395Lys; replaces glutamic acid 395 with lysine.
Molecular consequence: missense variant.
Genome position (GRCh38, 1-based): chr14:104,707,450, G>A. VCF-style: chr14-104707450-G-A. GRCh37 (hg19) VCF-style: chr14-105173787-G-A.
Other names: c.1183G>A, p.Glu395Lys (NM_001031714.4); short protein forms E395K.
Identifiers: ClinVar variation 245865 (VCV000245865.14), dbSNP rs374769850, ClinGen allele CA7372522.
Genomic context (GRCh38, chr14:104,707,450, plus strand): 5'-AACACTACAACCCCCAAGCCCAGCGTGGAGGGCCAGCAGCCAGCAGCAGCTGCTGCCTGC[G>A]AGCCCGTGGACCACGCCCAGAGTGAGAGCATCCTGAAAGTTTCGCAGCCCAGAGCCCTGG-3'
Protein context (NP_071934.3, residues 385-405): GQQPAAAAAC[Glu395Lys]PVDHAQSESI

ClinVar aggregate classification (germline): Conflicting classifications of pathogenicity. Review status: criteria provided, conflicting classifications (1 of 4 stars). 3 submissions from 3 submitters: Uncertain significance (1); Likely benign (2). Last evaluated 2024-10-22.

Conditions:
Charcot-Marie-Tooth disease dominant intermediate E. Also called: CHARCOT-MARIE-TOOTH NEUROPATHY WITH FOCAL SEGMENTAL GLOMERULONEPHRITIS. Identifiers: Orphanet 93114, MedGen C4302667, MONDO:0013758, OMIM 614455.
Focal segmental glomerulosclerosis 5 (FSGS5). Identifiers: Orphanet 656, MedGen C2750475, MONDO:0013191, OMIM 613237.

Allele frequency attached by ClinVar (database versions not stated): ExAC below 0.00001; gnomAD exomes 0.00001; gnomAD 0.00004 and 0.00005; TOPMed 0.00004; ESP Exome Variant Server 0.00008.
gnomAD v4.1: 29 of 1,563,792 alleles (0.0019%); highest among the groups gnomAD compares: South Asian, 0.013%; no homozygotes.

Submissions (3):

Labcorp Genetics (formerly Invitae), Labcorp
Classification: Likely benign for Charcot-Marie-Tooth disease dominant intermediate E; Focal segmental glomerulosclerosis 5. Last evaluated: 2024-10-22. Review status: criteria provided, single submitter. Criteria: Invitae Variant Classification Sherloc (09022015). Collection method: clinical testing. Allele origin: germline.

Fulgent Genetics
Classification: Likely benign for Focal segmental glomerulosclerosis 5; Charcot-Marie-Tooth disease dominant intermediate E. Last evaluated: 2024-06-12. Review status: criteria provided, single submitter. Criteria: ACMG Guidelines, 2015. Collection method: clinical testing. Allele origin: germline.

GeneDx
Classification: Uncertain significance. Last evaluated: 2020-08-12. Review status: criteria provided, single submitter. Criteria: GeneDx Variant Classification Process June 2021. Collection method: clinical testing. Allele origin: germline. Affected: yes.
Comment: In silico analysis supports that this missense variant does not alter protein structure/function; Has not been previously published as pathogenic or benign to our knowledge